The following is an entry in ClinVar:

NM_000487.6(ARSA):c.1264del (p.Ser421_Leu422insTer)

Gene: ARSA (arylsulfatase A; minus strand). Cytogenetic location: 22q13.33.
Variant type: Deletion.
Coding change: c.1264del on transcript NM_000487.6 (MANE Select); coding-DNA position 1264, one base deleted (C; older notation c.1264delC).
Protein change: p.Ser421_Leu422insTer.
Molecular consequence: nonsense.
Genome position (GRCh38, 1-based): chr22:50,625,411, G deleted on the plus strand (C on the coding strand, the reverse complement: ARSA is on the minus strand). VCF-style (leftmost placement, unchanged base first): chr22-50625410-AG-A. GRCh37 (hg19) VCF-style: chr22-51063838-AG-A.
Other names: c.1264delC (NM_000487.5); c.1264del, p.Ser421_Leu422insTer (NM_001085425.3, NM_001085426.3, NM_001085427.3); c.1006del, p.Ser335_Leu336insTer (NM_001085428.3, NM_001362782.2).
Identifiers: ClinVar variation 424522 (VCV000424522.13), dbSNP rs755635209, ClinGen allele CA10324757.

ClinVar aggregate classification (germline): Pathogenic/Likely pathogenic. Review status: criteria provided, multiple submitters, no conflicts (2 of 4 stars). 4 submissions from 4 submitters: Pathogenic (1); Likely pathogenic (2). 1 of the submissions does not count toward it. Last evaluated 2023-12-20.

Conditions:
Metachromatic leukodystrophy (MLD). Also called: METACHROMATIC LEUKOENCEPHALOPATHY; SULFATIDE LIPIDOSIS; ARSA DEFICIENCY; CEREBROSIDE SULFATASE DEFICIENCY; Arylsulfatase A Deficiency; Cerebral sclerosis diffuse metachromatic form. Identifiers: Orphanet 512, MedGen C0023522, MONDO:0018868, OMIM 250100.

Allele frequency attached by ClinVar (database versions not stated): gnomAD exomes below 0.00001; ExAC 0.00001; TOPMed 0.00001; gnomAD 0.00002 and 0.00003.

Submissions (4):

GeneDx
Classification: Likely pathogenic. Last evaluated: 2023-12-20. Review status: criteria provided, single submitter. Criteria: GeneDx Variant Classification Process June 2021. Collection method: clinical testing. Allele origin: germline. Affected: yes.
Comment: Has not been previously published as pathogenic or benign to our knowledge; Nonsense variant predicted to result in protein truncation, as the last 88 amino acids are lost, and other loss-of-function variants have been reported downstream in HGMD; Not observed at significant frequency in large population cohorts (gnomAD)

Labcorp Genetics (formerly Invitae), Labcorp
Classification: Pathogenic for Metachromatic leukodystrophy. Last evaluated: 2023-05-15. Review status: criteria provided, single submitter. Criteria: Invitae Variant Classification Sherloc (09022015). Collection method: clinical testing. Allele origin: germline.
Comment: This variant disrupts a region of the ARSA protein in which other variant(s) (p.Pro428Leu) have been determined to be pathogenic (PMID: 1670590, 9090526, 9096767, 11941485, 26462614). This suggests that this is a clinically significant region of the protein, and that variants that disrupt it are likely to be disease-causing. Algorithms developed to predict the effect of sequence changes on RNA splicing suggest that this variant may create or strengthen a splice site. ClinVar contains an entry for this variant (Variation ID: 424522). This variant has not been reported in the literature in individuals affected with ARSA-related conditions. This variant is present in population databases (rs755635209, gnomAD 0.004%). This sequence change creates a premature translational stop signal (p.Leu422*) in the ARSA gene. While this is not anticipated to result in nonsense mediated decay, it is expected to disrupt the last 88 amino acid(s) of the ARSA protein. For these reasons, this variant has been classified as Pathogenic.

Revvity Omics, Revvity
Classification: Likely pathogenic for Metachromatic leukodystrophy. Last evaluated: 2022-11-30. Review status: criteria provided, single submitter. Criteria: ACMG Guidelines, 2015. Collection method: clinical testing. Allele origin: germline.

Counsyl
Classification: Likely pathogenic for Metachromatic leukodystrophy. Last evaluated: 2018-03-22. Review status: no assertion criteria provided. Collection method: clinical testing. Allele origin: unknown. Not counted in ClinVar's aggregate classification.

Literature cited by the submitters: PubMed 1670590 (cited by Labcorp Genetics (formerly Invitae), Labcorp); PubMed 9090526 (cited by Labcorp Genetics (formerly Invitae), Labcorp); PubMed 9096767 (cited by Labcorp Genetics (formerly Invitae), Labcorp); PubMed 11941485 (cited by Labcorp Genetics (formerly Invitae), Labcorp); PubMed 26462614 (cited by Labcorp Genetics (formerly Invitae), Labcorp); PubMed 23208745 (cited by Counsyl).